The following is an entry in ClinVar:

ClinVar aggregate classification (germline): Pathogenic. Review status: criteria provided, multiple submitters, no conflicts (2 of 4 stars). 3 submissions from 3 submitters: Pathogenic (2). 1 of the submissions does not count toward it. Last evaluated 2024-03-29.

Conditions:
Blakemore-Durmaz-Vasileiou (BDV) syndrome.
BDV syndrome. Also called: INTELLECTUAL DEVELOPMENTAL DISORDER AND HYPOGONADOTROPIC HYPOGONADISM; CPE-related Prader-Willi-like syndrome; BLAKEMORE-DURMAZ-VASILEIOU SYNDROME. Identifiers: Orphanet 633028, MedGen C5543403, MONDO:0859150, OMIM 619326.

Allele frequency attached by ClinVar (database versions not stated): TOPMed below 0.00001; gnomAD exomes below 0.00001.
gnomAD v4.1: 2 of 1,613,300 alleles (0.00012%); no homozygotes.

Submissions (3):

Genomic Medicine Center of Excellence, King Faisal Specialist Hospital and Research Centre
Classification: Pathogenic for BDV syndrome. Last evaluated: 2024-03-29. Review status: criteria provided, single submitter. Criteria: ACMG Guidelines, 2015. Collection method: clinical testing. Allele origin: germline.

Institute of Human Genetics, FAU Erlangen, Friedrich-Alexander-Universität Erlangen-Nürnberg
Classification: Pathogenic for Blakemore-Durmaz-Vasileiou (BDV) syndrome. Last evaluated: 2021-06-16. Review status: criteria provided, single submitter. Criteria: ACMG Guidelines, 2015. Collection method: clinical testing. Allele origin: inherited. Inheritance: Autosomal recessive inheritance. Affected: yes. Observed: 3 variant alleles, 3 homozygotes. Clinical features observed: Obesity (HP:0001513), Polyphagia (HP:0002591), Intellectual disability (HP:0001249), Hypothyroidism (HP:0000821), Delayed speech and language development (HP:0000750), Hypogonadotropic hypogonadism (HP:0000044).
Comment: The homozygous variant c.[361C > T]; c.[361C > T]; p.[Arg121*]; Parental consanguinity in both families present. All individuals show developmental delay, obesity, hyperphagia, suspected hypogonadotrophic hypogonadism and hypothyreoidism. The nonsense-variant p.(Arg121*) occurs in the catalytic domain of CPE. No homozygosity for truncating LoF variants in the general population database gnomAD (Genome Aggregation Database) has been listed to date. This variant was reported in heterozygous state one time in gnomAD.

OMIM
Classification: Pathogenic for BDV SYNDROME. Last evaluated: 2021-11-01. Review status: no assertion criteria provided. Collection method: literature only. Allele origin: germline. Not counted in ClinVar's aggregate classification.

Literature cited by the submitters: PubMed 34383079 (cited by Institute of Human Genetics, FAU Erlangen, Friedrich-Alexander-Universität Erlangen-Nürnberg and OMIM).

NM_001873.4(CPE):c.361C>T (p.Arg121Ter)

Gene: CPE (carboxypeptidase E; plus strand). Cytogenetic location: 4q32.3.
Variant type: single nucleotide variant.
Coding change: c.361C>T on transcript NM_001873.4 (MANE Select); coding-DNA position 361, C replaced by T.
Protein change: p.Arg121Ter; replaces arginine 121 with a stop codon.
Molecular consequence: nonsense.
Genome position (GRCh38, 1-based): chr4:165,464,443, C>T. VCF-style: chr4-165464443-C-T. GRCh37 (hg19) VCF-style: chr4-166385595-C-T.
Other names: short protein forms R121*.
Identifiers: ClinVar variation 1209851 (VCV001209851.5), dbSNP rs1317332155, ClinGen allele CA358682147.